The following is an entry in ClinVar:

ClinVar aggregate classification (germline): Uncertain significance (0 of 4 stars; one submission).

Conditions:
PKD1-related disorder. Also called: PKD1-related condition.

Submission:

PreventionGenetics, part of Exact Sciences
Classification: Uncertain significance for PKD1-related condition. Last evaluated: 2024-06-18. Review status: no assertion criteria provided. Collection method: clinical testing. Allele origin: germline.
Comment: The PKD1 c.1691_1692delinsTG variant is predicted to result in an in-frame deletion and insertion. To our knowledge, this variant has not been reported in the literature or in a large population database, indicating this variant is rare. At this time, the clinical significance of this variant is uncertain due to the absence of conclusive functional and genetic evidence.

NM_001009944.3(PKD1):c.1691_1692delinsTG (p.Asp564Val)

Gene: PKD1 (polycystin 1, transient receptor potential channel interacting; minus strand). Cytogenetic location: 16p13.3.
Variant type: Indel.
Coding change: c.1691_1692delinsTG on transcript NM_001009944.3 (MANE Select); coding-DNA positions 1691 to 1692, AC replaced by TG.
Protein change: p.Asp564Val; replaces aspartic acid 564 with valine.
Molecular consequence: missense variant.
Genome position (GRCh38, 1-based): chr16:2,116,559-2,116,560, GT replaced by CA on the plus strand (AC replaced by TG on the coding strand, the reverse complement: PKD1 is on the minus strand). VCF-style: chr16-2116559-GT-CA. GRCh37 (hg19) VCF-style: chr16-2166560-GT-CA.
Other names: c.1691_1692delinsTG, p.Asp564Val (NM_000296.4); c.1691_1692delACinsTG, p.Asp564Val (NM_001009944.2); short protein forms D564V.
Identifiers: ClinVar variation 3347690 (VCV003347690.1).